The following is an entry in ClinVar:

NM_000093.5(COL5A1):c.3268G>A (p.Gly1090Arg)

Gene: COL5A1 (collagen type V alpha 1 chain; plus strand). Cytogenetic location: 9q34.3.
Variant type: single nucleotide variant.
Coding change: c.3268G>A on transcript NM_000093.5 (MANE Select); coding-DNA position 3268, G replaced by A.
Protein change: p.Gly1090Arg; replaces glycine 1090 with arginine.
Molecular consequence: missense variant.
Genome position (GRCh38, 1-based): chr9:134,806,198, G>A. VCF-style: chr9-134806198-G-A. GRCh37 (hg19) VCF-style: chr9-137698044-G-A.
Other names: c.3268G>A, p.Gly1090Arg (NM_001278074.1); short protein forms G1090R.
Identifiers: ClinVar variation 3382598 (VCV003382598.2).

ClinVar aggregate classification (germline): Uncertain significance (1 of 4 stars; one submission).

Conditions:
Ehlers-Danlos syndrome, classic type, 1 (EDSCL1). Also called: EHLERS-DANLOS SYNDROME, GRAVIS TYPE; EHLERS-DANLOS SYNDROME, SEVERE CLASSIC TYPE; Ehlers-Danlos syndrome, type 1; Ehlers-Danlos Syndrome, Classic Type, COL5A1-Related; EDS I. Identifiers: MedGen C0268335, MONDO:0019567, OMIM 130000.
Fibromuscular dysplasia, multifocal. Identifiers: MedGen C5543412, MONDO:0859151, OMIM 619329.

Submission:

Juno Genomics, Hangzhou Juno Genomics, Inc
Classification: Uncertain significance for Ehlers-Danlos syndrome, classic type, 1; Fibromuscular dysplasia, multifocal. Review status: criteria provided, single submitter. Criteria: ACMG Guidelines, 2015. Collection method: clinical testing. Allele origin: germline. Affected: yes.
Comment: Absent from controls (or at extremely low frequency if recessive) in Genome Aggregation Database, Exome Sequencing Project, 1000 Genomes Project, or Exome Aggregation Consortium.;Multiple lines of computational evidence support a deleterious effect on the gene or gene product (conservation, evolutionary, splicing impact, etc).;De novo (both maternity and paternity confirmed) in a patient with the disease and no family history.